The following is an entry in ClinVar:

NM_001136103.3(TMEM132C):c.1511C>T (p.Ala504Val)

Gene: TMEM132C (transmembrane protein 132C; plus strand). Cytogenetic location: 12q24.32.
Variant type: single nucleotide variant.
Coding change: c.1511C>T on transcript NM_001136103.3 (MANE Select); coding-DNA position 1511, C replaced by T.
Protein change: p.Ala504Val; replaces alanine 504 with valine.
Molecular consequence: missense variant.
Genome position (GRCh38, 1-based): chr12:128,693,890, C>T. VCF-style: chr12-128693890-C-T. GRCh37 (hg19) VCF-style: chr12-129178435-C-T.
Other names: c.1451C>T, p.Ala484Val (NM_001387058.1); short protein forms A484V, A504V.
Identifiers: ClinVar variation 2643586 (VCV002643586.24), dbSNP rs140584108, ClinGen allele CA6874619.
Genomic context (GRCh38, chr12:128,693,890, plus strand): 5'-TGTCTGAGCGCTGTGACTACATCTTTGTCAATGGCAAAGAGATCAAAGGAAAGATGGATG[C>T]GGTGGTGAACTTCACATACCAGTACCTGAGCGCCCCCCTGTGTGTCACCGTGTGGGTGCC-3'
Protein context (NP_001129575.2, residues 494-514): NGKEIKGKMD[Ala504Val]VVNFTYQYLS

ClinVar aggregate classification (germline): Likely benign (1 of 4 stars; one submission).

Allele frequency attached by ClinVar (database versions not stated): 1000 Genomes Project 30x 0.00375; 1000 Genomes Project 0.00399; ExAC 0.00602; TOPMed 0.00705; gnomAD 0.00771; ESP Exome Variant Server 0.00898; gnomAD exomes 0.00942.
gnomAD v4.1: 14,231 of 1,551,766 alleles (0.92%); highest among the groups gnomAD compares: Non-Finnish European, 1%; 72 homozygotes.

Submission:

CeGaT Center for Human Genetics Tuebingen
Classification: Likely benign. Last evaluated: 2022-12-01. Review status: criteria provided, single submitter. Criteria: CeGaT Center For Human Genetics Tuebingen Variant Classification Criteria Version 2. Collection method: clinical testing. Allele origin: germline. Affected: yes. Observed: 2 variant alleles.
Comment: TMEM132C: BP4, BS2